The following is an entry in ClinVar:

NM_001387025.1(GRAMD1B):c.2269G>C (p.Gly757Arg)

Gene: GRAMD1B (GRAM domain containing 1B; plus strand). Cytogenetic location: 11q24.1.
Variant type: single nucleotide variant.
Coding change: c.2269G>C on transcript NM_001387025.1 (MANE Select); coding-DNA position 2269, G replaced by C.
Protein change: p.Gly757Arg; replaces glycine 757 with arginine.
Molecular consequence: missense variant.
Genome position (GRCh38, 1-based): chr11:123,614,786, G>C. VCF-style: chr11-123614786-G-C. GRCh37 (hg19) VCF-style: chr11-123485494-G-C.
Other names: c.1861G>C, p.Gly621Arg (NM_001286563.3); c.1720G>C, p.Gly574Arg (NM_001286564.3, NM_001330396.3, NM_001387030.1 and 5 more transcripts); c.1921G>C, p.Gly641Arg (NM_001367418.2, NM_001367419.2, NM_001367420.2); c.2137G>C, p.Gly713Arg (NM_001367421.2); c.2269G>C, p.Gly757Arg (NM_001387024.1); c.2266G>C, p.Gly756Arg (NM_001387026.1); c.1840G>C, p.Gly614Arg (NM_001387028.1, NM_001387029.1, NM_020716.4); short protein forms G574R, G614R, G621R, G641R, G713R, G756R, G757R.
Identifiers: ClinVar variation 3041089 (VCV003041089.2), dbSNP rs534553453, ClinGen allele CA6333836.

ClinVar aggregate classification (germline): Benign (0 of 4 stars; one submission).

Conditions:
GRAMD1B-related disorder. Also called: GRAMD1B-related condition.

Allele frequency attached by ClinVar (database versions not stated): 1000 Genomes Project 30x 0.00203; 1000 Genomes Project 0.00240.
gnomAD v4.1: 221 of 1,612,944 alleles (0.014%); highest among the groups gnomAD compares: East Asian, 0.36%; 3 homozygotes.

Submission:

PreventionGenetics, part of Exact Sciences
Classification: Benign for GRAMD1B-related condition. Last evaluated: 2019-02-22. Review status: no assertion criteria provided. Collection method: clinical testing. Allele origin: germline.
Comment: This variant is classified as benign based on ACMG/AMP sequence variant interpretation guidelines (Richards et al. 2015 PMID: 25741868, with internal and published modifications).